The following is an entry in ClinVar:

NM_001039348.3(EFEMP1):c.1059T>C (p.Tyr353=)

Gene: EFEMP1 (EGF-like fibulin extracellular matrix protein 1; minus strand). Cytogenetic location: 2p16.1.
Variant type: single nucleotide variant.
Coding change: c.1059T>C on transcript NM_001039348.3 (MANE Select); coding-DNA position 1059, T replaced by C.
Protein change: p.Tyr353=; no amino-acid change (tyrosine 353 retained).
Molecular consequence: synonymous variant.
Genome position (GRCh38, 1-based): chr2:55,871,065, A>G on the plus strand (T>C on the coding strand, the complement: EFEMP1 is on the minus strand). VCF-style: chr2-55871065-A-G. GRCh37 (hg19) VCF-style: chr2-56098200-A-G.
Other names: c.1059T>C, p.Tyr353= (NM_001039349.3); c.1059T>C (NM_001039348.2).
Identifiers: ClinVar variation 3614882 (VCV003614882.4).

ClinVar aggregate classification (germline): Likely benign. Review status: criteria provided, multiple submitters, no conflicts (2 of 4 stars). 3 submissions from 3 submitters: Likely benign (3). Last evaluated 2026-01-27.

Conditions:
EFEMP1-related disorder. Also called: EFEMP1-related condition.

gnomAD v4.1: 45 of 1,613,652 alleles (0.0028%); highest among the groups gnomAD compares: Non-Finnish European, 0.0036%; no homozygotes.

Submissions (3):

PreventionGenetics, part of Exact Sciences
Classification: Likely benign for EFEMP1-related condition. Last evaluated: 2026-01-27. Review status: criteria provided, single submitter. Criteria: ACMG Guidelines, 2015. Collection method: clinical testing. Allele origin: germline.
Comment: This variant is classified as likely benign based on ACMG/AMP sequence variant interpretation guidelines (Richards et al. 2015 PMID: 25741868, with internal and published modifications).

Labcorp Genetics (formerly Invitae), Labcorp
Classification: Likely benign. Last evaluated: 2025-10-11. Review status: criteria provided, single submitter. Criteria: Invitae Variant Classification Sherloc (09022015). Collection method: clinical testing. Allele origin: germline.

Blueprint Genetics
Classification: Likely benign. Last evaluated: 2024-08-21. Review status: criteria provided, single submitter. Criteria: ACMG Guidelines, 2015. Collection method: clinical testing. Allele origin: germline.